The following is an entry in ClinVar:

ClinVar aggregate classification (germline): Pathogenic. Review status: criteria provided, multiple submitters, no conflicts (2 of 4 stars). 2 submissions from 2 submitters: Pathogenic (2). Last evaluated 2026-01-30.

Conditions:
DNAAF2-related disorder. Also called: DNAAF2-related condition.
Primary ciliary dyskinesia. Also called: Ciliary dyskinesia. Identifiers: Orphanet 244, MedGen C0008780, MONDO:0016575, HP:0012265.

Submissions (2):

PreventionGenetics, part of Exact Sciences
Classification: Pathogenic for DNAAF2-related condition. Last evaluated: 2026-01-30. Review status: criteria provided, single submitter. Criteria: ACMG Guidelines, 2015. Collection method: clinical testing. Allele origin: germline.
Comment: The DNAAF2 c.646G>T variant is predicted to result in premature protein termination (p.Glu216*). This variant was reported in the heterozygous state along with a second causative variant in an individual with primary ciliary dyskinesia (Demir Eksi et al. 2022. PubMed ID: 35239159). This variant is reported in 0.00087% of alleles in individuals of European (Non-Finnish) descent in gnomAD. Nonsense variants in DNAAF2 are expected to be pathogenic. This variant is interpreted as pathogenic.

Labcorp Genetics (formerly Invitae), Labcorp
Classification: Pathogenic for Primary ciliary dyskinesia. Last evaluated: 2024-05-15. Review status: criteria provided, single submitter. Criteria: Invitae Variant Classification Sherloc (09022015). Collection method: clinical testing. Allele origin: germline.
Comment: This sequence change creates a premature translational stop signal (p.Glu216*) in the DNAAF2 gene. It is expected to result in an absent or disrupted protein product. Loss-of-function variants in DNAAF2 are known to be pathogenic (PMID: 19052621, 24498942). This variant is present in population databases (no rsID available, gnomAD 0.007%). This premature translational stop signal has been observed in individual(s) with primary ciliary dyskinesia (PMID: 35239159). For these reasons, this variant has been classified as Pathogenic.

Literature cited by the submitters: PubMed 19052621 (cited by Labcorp Genetics (formerly Invitae), Labcorp); PubMed 24498942 (cited by Labcorp Genetics (formerly Invitae), Labcorp); PubMed 35239159 (cited by Labcorp Genetics (formerly Invitae), Labcorp).

NM_018139.3(DNAAF2):c.646G>T (p.Glu216Ter)

Gene: DNAAF2 (dynein axonemal assembly factor 2; minus strand). Cytogenetic location: 14q21.3.
Variant type: single nucleotide variant.
Coding change: c.646G>T on transcript NM_018139.3 (MANE Select); coding-DNA position 646, G replaced by T.
Protein change: p.Glu216Ter; replaces glutamic acid 216 with a stop codon.
Molecular consequence: nonsense.
Genome position (GRCh38, 1-based): chr14:49,634,504, C>A on the plus strand (G>T on the coding strand, the complement: DNAAF2 is on the minus strand). VCF-style: chr14-49634504-C-A. GRCh37 (hg19) VCF-style: chr14-50101222-C-A.
Other names: c.646G>T, p.Glu216Ter (NM_001083908.2); c.646G>T (NM_018139.2); short protein forms E216*.
Identifiers: ClinVar variation 3664428 (VCV003664428.3).